The following continues an entry in ClinVar:

NM_053274.3(GLMN):c.157_161del (p.Glu52_Lys53insTer)

Gene: GLMN. ClinVar aggregate classification (germline): Pathogenic/Likely pathogenic. Pathogenic (16); Likely pathogenic (1).

Submissions 14 to 18 of 18:

GeneDx
Classification: Pathogenic. Last evaluated: 2022-04-06. Review status: criteria provided, single submitter. Criteria: GeneDx Variant Classification Process June 2021. Collection method: clinical testing. Allele origin: germline. Affected: yes.
Comment: Nonsense variant predicted to result in protein truncation or nonsense mediated decay in a gene for which loss-of-function is a known mechanism of disease; This variant is associated with the following publications: (PMID: 30325312, 23801931, 11845407, 30460983, 32538359, 11175297, 31589614)

Department of Pathology and Laboratory Medicine, Sinai Health System
Classification: Pathogenic for Glomuvenous malformation. Last evaluated: 2022-03-09. Review status: criteria provided, single submitter. Criteria: ACMG Guidelines, 2015. Collection method: research. Allele origin: germline.

Victorian Clinical Genetics Services, Murdoch Childrens Research Institute
Classification: Pathogenic for Glomuvenous malformation. Last evaluated: 2021-05-06. Review status: criteria provided, single submitter. Criteria: ACMG Guidelines, 2015. Collection method: clinical testing. Allele origin: germline. Inheritance: Autosomal dominant inheritance. Affected: yes.
Comment: Based on the classification scheme VCGS_Germline_v1.3.4, this variant is classified as Pathogenic. Following criteria are met: 0102 - Loss of function is a known mechanism of disease in this gene and is associated with glomuvenous malformations (MIM#138000). (I) 0107 - This gene is associated with autosomal dominant disease. (I) 0201 - Variant is predicted to cause nonsense-mediated decay (NMD) and loss of protein (premature termination codon is located at least 54 nucleotides upstream of the final exon-exon junction). (SP) 0251 - This variant is heterozygous. (I) 0302 - Variant is present in gnomAD (v2) <0.001 for a dominant condition (14 heterozygotes, 0 homozygotes). (SP) 0701 - Other variants predicted to result in NMD comparable to the one identified in this case have very strong previous evidence for pathogenicity (ClinVar, DECIPHER). (SP) 0801 - This variant has very strong previous evidence of pathogenicity in unrelated individuals and is the most common variant in the GLMN gene associated with glomuvenous malformations (ClinVar, PMID: 23801931). (SP) 1208 - Inheritance information for this variant is not currently available in this individual. (I) Legend: (SP) - Supporting pathogenic, (I) - Information, (SB) - Supporting benign

Seattle Children's Hospital Molecular Genetics Laboratory, Seattle Children's Hospital
Classification: Pathogenic. Last evaluated: 2019-12-09. Review status: criteria provided, single submitter. Criteria: ACMG Guidelines, 2015. Collection method: clinical testing. Allele origin: germline. Affected: yes.
Comment: The c.157_161delAAGAA (p.Lys53*) variant is one of the most frequently reported pathogenic GLMN variants, accounting for ~45% of affected individuals (Ref 1-3). The deletion of five nucleotides replaces the lysine with a premature stop codon at position 53 (p.Lys53*). This variant is predicted to result in a loss of gene function.

OMIM
Classification: Pathogenic for GLOMUVENOUS MALFORMATIONS. Last evaluated: 2002-04-01. Review status: no assertion criteria provided. Collection method: literature only. Allele origin: germline. Not counted in ClinVar's aggregate classification.

Literature cited by the submitters: PubMed 38489583 (cited by Variantyx, Inc.); PubMed 11845407 (cited by 4 submitters); PubMed 15689436 (cited by Variantyx, Inc.); PubMed 30460983 (cited by 3 submitters); PubMed 23801931 (cited by 3 submitters); PubMed 11175297 (cited by OMIM).